The following is an entry in ClinVar:

NM_001297.5(CNGB1):c.2302A>C (p.Lys768Gln)

Gene: CNGB1 (cyclic nucleotide gated channel subunit beta 1; minus strand). Cytogenetic location: 16q21.
Variant type: single nucleotide variant.
Coding change: c.2302A>C on transcript NM_001297.5 (MANE Select); coding-DNA position 2302, A replaced by C.
Protein change: p.Lys768Gln; replaces lysine 768 with glutamine.
Molecular consequence: missense variant.
Genome position (GRCh38, 1-based): chr16:57,915,251, T>G on the plus strand (A>C on the coding strand, the complement: CNGB1 is on the minus strand). VCF-style: chr16-57915251-T-G. GRCh37 (hg19) VCF-style: chr16-57949155-T-G.
Other names: c.2284A>C, p.Lys762Gln (NM_001286130.2); short protein forms K768Q, K762Q.
Identifiers: ClinVar variation 866360 (VCV000866360.8), dbSNP rs1960832607, ClinGen allele CA396062705.
Genomic context (GRCh38, chr16:57,915,251, plus strand): 5'-TGTCGGTGCAGAGCAGGGATGAGCTGAAGGCCTGGGGTGGTGGGCCCAGCAGTCCTACCT[T>G]TAAACAGCGGGGCAGGCGGAGGAGGGGGTTCACACCGACTTTCAAATAGAGAAAATCCAA-3'
Protein context (NP_001288.3, residues 758-778): NPLLRLPRCL[Lys768Gln]YMAFFEFNSR

ClinVar aggregate classification (germline): Uncertain significance. Review status: criteria provided, multiple submitters, no conflicts (2 of 4 stars). 2 submissions from 2 submitters: Uncertain significance (2). Last evaluated 2022-06-22.

Submissions (2):

Labcorp Genetics (formerly Invitae), Labcorp
Classification: Uncertain significance. Last evaluated: 2022-06-22. Review status: criteria provided, single submitter. Criteria: Invitae Variant Classification Sherloc (09022015). Collection method: clinical testing. Allele origin: germline.
Comment: This sequence change replaces lysine, which is basic and polar, with glutamine, which is neutral and polar, at codon 768 of the CNGB1 protein (p.Lys768Gln). This variant is not present in population databases (gnomAD no frequency). In summary, the available evidence is currently insufficient to determine the role of this variant in disease. Therefore, it has been classified as a Variant of Uncertain Significance. Algorithms developed to predict the effect of sequence changes on RNA splicing suggest that this variant may create or strengthen a splice site. Algorithms developed to predict the effect of missense changes on protein structure and function (SIFT, PolyPhen-2, Align-GVGD) all suggest that this variant is likely to be disruptive. ClinVar contains an entry for this variant (Variation ID: 866360). This variant has not been reported in the literature in individuals affected with CNGB1-related conditions.

Blueprint Genetics
Classification: Uncertain significance. Last evaluated: 2021-03-09. Review status: criteria provided, single submitter. Criteria: ACMG Guidelines, 2015. Collection method: clinical testing. Allele origin: germline.